The following is an entry in ClinVar:

ClinVar aggregate classification (germline): Likely benign. Review status: criteria provided, single submitter (1 of 4 stars). 2 submissions from 2 submitters: Likely benign (1). 1 of the submissions does not count toward it. Last evaluated 2024-10-09.

Conditions:
SPTBN4-related disorder. Also called: SPTBN4-related condition.

Allele frequency attached by ClinVar (database versions not stated): 1000 Genomes Project 30x 0.00047; 1000 Genomes Project 0.00060; TOPMed 0.00090; ESP Exome Variant Server 0.00115; gnomAD 0.00124; ExAC 0.00161.
gnomAD v4.1: 2,161 of 1,607,844 alleles (0.13%); highest among the groups gnomAD compares: Non-Finnish European, 0.15%; 3 homozygotes.

Submissions (2):

Blueprint Genetics
Classification: Likely benign. Last evaluated: 2024-10-09. Review status: criteria provided, single submitter. Criteria: ACMG Guidelines, 2015. Collection method: clinical testing. Allele origin: germline.

PreventionGenetics, part of Exact Sciences
Classification: Likely benign for SPTBN4-related condition. Last evaluated: 2019-03-15. Review status: no assertion criteria provided. Collection method: clinical testing. Allele origin: germline. Not counted in ClinVar's aggregate classification.
Comment: This variant is classified as likely benign based on ACMG/AMP sequence variant interpretation guidelines (Richards et al. 2015 PMID: 25741868, with internal and published modifications).

NM_020971.3(SPTBN4):c.1666-8G>A

Gene: SPTBN4 (spectrin beta, non-erythrocytic 4; plus strand). Cytogenetic location: 19q13.2.
Variant type: single nucleotide variant.
Coding change: c.1666-8G>A on transcript NM_020971.3 (MANE Select); 8 bases into the intron before coding-DNA position 1666, G replaced by A.
Molecular consequence: intron variant.
Genome position (GRCh38, 1-based): chr19:40,506,228, G>A. VCF-style: chr19-40506228-G-A. GRCh37 (hg19) VCF-style: chr19-41012135-G-A.
Identifiers: ClinVar variation 3035387 (VCV003035387.3), dbSNP rs199969159, ClinGen allele CA9445751.
Genomic context (GRCh38, chr19:40,506,228, plus strand): 5'-GCAATGGGGGAGAGGTGAGTGGCCCAGGGCAGTGCCAGAGGTGTGCTCAGTGCTGTCCCC[G>A]CTTGTAGGCTCAGCTGCTGTCCCGGGAGTGTGGGCAGCACCTGGTGGAGGCAGACGACCT-3'